The following is an entry in ClinVar:

ClinVar aggregate classification (germline): Conflicting classifications of pathogenicity. Review status: criteria provided, conflicting classifications (1 of 4 stars). 4 submissions from 4 submitters: Uncertain significance (1); Likely benign (2). 1 of the submissions does not count toward it. Last evaluated 2026-02-04.

Conditions:
OCA2-related disorder. Also called: OCA2-related condition.
Inborn genetic diseases. Identifiers: MedGen C0950123, MeSH D030342.

Allele frequency attached by ClinVar (database versions not stated): gnomAD exomes 0.00009 and 0.00041; gnomAD 0.00016 and 0.00018; 1000 Genomes Project 0.00020; TOPMed 0.00022; 1000 Genomes Project 30x 0.00031; ExAC 0.00032.
gnomAD v4.1: 163 of 1,611,396 alleles (0.01%); highest among the groups gnomAD compares: Admixed American, 0.23%; 2 homozygotes.

Submissions (4):

Labcorp Genetics (formerly Invitae), Labcorp
Classification: Likely benign. Last evaluated: 2026-02-04. Review status: criteria provided, single submitter. Criteria: Invitae Variant Classification Sherloc (09022015). Collection method: clinical testing. Allele origin: germline.

Ambry Genetics
Classification: Uncertain significance for Inborn genetic diseases. Last evaluated: 2025-04-13. Review status: criteria provided, single submitter. Criteria: Ambry Variant Classification Scheme 2023. Collection method: clinical testing. Allele origin: germline.

Blueprint Genetics
Classification: Likely benign. Last evaluated: 2024-10-13. Review status: criteria provided, single submitter. Criteria: ACMG Guidelines, 2015. Collection method: clinical testing. Allele origin: germline.

PreventionGenetics, part of Exact Sciences
Classification: Likely benign for OCA2-related condition. Last evaluated: 2022-02-01. Review status: no assertion criteria provided. Collection method: clinical testing. Allele origin: germline. Not counted in ClinVar's aggregate classification.
Comment: This variant is classified as likely benign based on ACMG/AMP sequence variant interpretation guidelines (Richards et al. 2015 PMID: 25741868, with internal and published modifications).

NM_000275.3(OCA2):c.232C>T (p.His78Tyr)

Gene: OCA2 (OCA2 melanosomal transmembrane protein; minus strand). Cytogenetic location: 15q13.1.
Variant type: single nucleotide variant.
Coding change: c.232C>T on transcript NM_000275.3 (MANE Select); coding-DNA position 232, C replaced by T.
Protein change: p.His78Tyr; replaces histidine 78 with tyrosine.
Molecular consequence: missense variant.
Genome position (GRCh38, 1-based): chr15:28,032,159, G>A on the plus strand (C>T on the coding strand, the complement: OCA2 is on the minus strand). VCF-style: chr15-28032159-G-A. GRCh37 (hg19) VCF-style: chr15-28277305-G-A.
Other names: c.232C>T, p.His78Tyr (NM_001300984.2); short protein forms H78Y.
Identifiers: ClinVar variation 726847 (VCV000726847.13), dbSNP rs531777637, ClinGen allele CA7439534.